The following is an entry in ClinVar:

ClinVar aggregate classification (germline): Pathogenic (1 of 4 stars; one submission).

Submission:

ISCA Site 6
Classification: Pathogenic. Last evaluated: 2011-08-12. Review status: criteria provided, single submitter. Criteria: Kaminsky et al. (Genet Med. 2011). Collection method: clinical testing. Allele origin: maternal. Affected: yes. Observed: 1 variant allele.
Comment: Copy number variation identified through the course of routine clinical cytogenomic testing in postnatal populations. Clinical assertions have been curated as described in Kaminsky et al. 2011.

GRCh38/hg38 1q21.1-21.2(chr1:145601946-146944906)x1

Genes: ANKRD34A (ankyrin repeat domain 34A; minus strand), ANKRD35 (ankyrin repeat domain 35; minus strand), ANKRD35-DT (ANKRD35 divergent transcript; plus strand), CD160 (CD160 molecule; plus strand), CH17-408M7.1 (uncharacterized LOC102724558; plus strand) and 59 more. Cytogenetic location: 1q21.1-21.2.
Variant type: copy number loss.
Change: copy number 1 (one copy instead of two) of chr1:145,601,946-146,944,906 (1.34 Mb, GRCh38 coordinates, 1-based), cytogenetic band 1q21.1-21.2.
Identifiers: ClinVar variation 58494 (VCV000058494.3).